The following is an entry in ClinVar:

NM_000179.3(MSH6):c.3519_3520del (p.Phe1174fs)

Gene: MSH6 (mutS homolog 6; plus strand). Cytogenetic location: 2p16.3.
Variant type: Microsatellite.
Coding change: c.3519_3520del on transcript NM_000179.3 (MANE Select); coding-DNA positions 3519 to 3520, 2 bases deleted (GT; older notation c.3519_3520delGT).
Protein change: p.Phe1174fs; shifts the reading frame from phenylalanine 1174.
Molecular consequence: frameshift variant.
Genome position (GRCh38, 1-based): chr2:47,804,990-47,804,991, GT deleted; deleting any 2 consecutive bases within chr2:47,804,988-47,804,991 gives the same sequence; the c. name uses the placement nearest the transcript's 3' end. VCF-style (leftmost placement, unchanged base first): chr2-47804987-AGT-A. GRCh37 (hg19) VCF-style: chr2-48032126-AGT-A.
Other names: c.3613_3614GT[1], p.Phe1206Tyrfs (NM_001406795.1, NM_001406802.1); c.2613_2614del, p.Phe872fs (NM_001281493.2, NM_001281494.2); c.3220_3221GT[1], p.Phe1075Tyrfs (NM_001406797.1, NM_001406801.1, NM_001406805.1 and 10 more transcripts); c.3343_3344GT[1], p.Phe1116Tyrfs (NM_001406798.1); c.3517_3518GT[1], p.Phe1174Tyrfs (NM_001406796.1, NM_000179.2, NM_001406800.1 and 2 more transcripts); c.3519_3520delGT (NM_000179.2); c.3129_3130del, p.Phe1044fs (NM_001281492.2); c.2992_2993GT[1], p.Phe999Tyrfs (NM_001406799.1, NM_001406806.1, NM_001406807.1); and 9 more; short protein forms F1044fs, F1174fs, F872fs.
Identifiers: ClinVar variation 1732226 (VCV001732226.3), dbSNP rs2530804417, ClinGen allele CA2580611379.

ClinVar aggregate classification (germline): Pathogenic. Review status: criteria provided, multiple submitters, no conflicts (2 of 4 stars). 2 submissions from 2 submitters: Pathogenic (2). Last evaluated 2023-08-24.

Conditions:
Hereditary cancer-predisposing syndrome. Also called: Neoplastic Syndromes, Hereditary; Tumor predisposition; Hereditary Cancer Syndrome; Hereditary neoplastic syndrome. Identifiers: Orphanet 140162, MedGen C0027672, MeSH D009386, MONDO:0015356.
Lynch syndrome 5 (LYNCH5). Also called: Hereditary non-polyposis colorectal cancer, type 5; Colorectal cancer, hereditary nonpolyposis, type 5. Identifiers: Orphanet 144, MedGen C1833477, MONDO:0013710, OMIM 614350. Disease mechanism: loss of function.

Submissions (2):

Myriad Genetics, Inc.
Classification: Pathogenic for Lynch syndrome 5. Last evaluated: 2023-08-24. Review status: criteria provided, single submitter. Criteria: Myriad Autosomal Dominant, Autosomal Recessive and X-Linked Classification Criteria (2023). Collection method: clinical testing. Allele origin: unknown.
Comment: This variant is considered pathogenic. This variant creates a frameshift predicted to result in premature protein truncation.

Ambry Genetics
Classification: Pathogenic for Hereditary cancer-predisposing syndrome. Last evaluated: 2022-08-30. Review status: criteria provided, single submitter. Criteria: Ambry Variant Classification Scheme 2023. Collection method: clinical testing. Allele origin: germline.
Comment: The c.3519_3520delGT pathogenic mutation, located in coding exon 6 of the MSH6 gene, results from a deletion of two nucleotides at nucleotide positions 3519 to 3520, causing a translational frameshift with a predicted alternate stop codon (p.F1174Yfs*2). This variant is considered to be rare based on population cohorts in the Genome Aggregation Database (gnomAD). This alteration is expected to result in loss of function by premature protein truncation or nonsense-mediated mRNA decay. As such, this alteration is interpreted as a disease-causing mutation.